The following is an entry in ClinVar:

NM_001690.4(ATP6V1A):c.1393T>C (p.Tyr465His)

Gene: ATP6V1A (ATPase H+ transporting V1 subunit A; plus strand). Cytogenetic location: 3q13.31.
Variant type: single nucleotide variant.
Coding change: c.1393T>C on transcript NM_001690.4 (MANE Select); coding-DNA position 1393, T replaced by C.
Protein change: p.Tyr465His; replaces tyrosine 465 with histidine.
Molecular consequence: missense variant.
Genome position (GRCh38, 1-based): chr3:113,798,345, T>C. VCF-style: chr3-113798345-T-C. GRCh37 (hg19) VCF-style: chr3-113517192-T-C.
Other names: short protein forms Y465H.
Identifiers: ClinVar variation 2020457 (VCV002020457.4), dbSNP rs2108040715, ClinGen allele CA354019957.
Genomic context (GRCh38, chr3:113,798,345, plus strand): 5'-TTCCCCTCTGTCAATTGGCTCATCAGCTACAGCAAGTATATGCGTGCCTTGGATGAATAC[T>C]ATGACAAACACTTCACAGAGTTCGTTCCTCTGAGGACGAAAGCTAAGGAAATTCTGCAGG-3'
Protein context (NP_001681.2, residues 455-475): SKYMRALDEY[Tyr465His]DKHFTEFVPL

ClinVar aggregate classification (germline): Uncertain significance (1 of 4 stars; one submission).

Submission:

Labcorp Genetics (formerly Invitae), Labcorp
Classification: Uncertain significance. Last evaluated: 2025-07-14. Review status: criteria provided, single submitter. Criteria: Invitae Variant Classification Sherloc (09022015). Collection method: clinical testing. Allele origin: germline.
Comment: This sequence change replaces tyrosine, which is neutral and polar, with histidine, which is basic and polar, at codon 465 of the ATP6V1A protein (p.Tyr465His). This variant is not present in population databases (gnomAD no frequency). This variant has not been reported in the literature in individuals affected with ATP6V1A-related conditions. ClinVar contains an entry for this variant (Variation ID: 2020457). Invitae Evidence Modeling of protein sequence and biophysical properties (such as structural, functional, and spatial information, amino acid conservation, physicochemical variation, residue mobility, and thermodynamic stability) has been performed for this missense variant. However, the output from this modeling did not meet the statistical confidence thresholds required to predict the impact of this variant on ATP6V1A protein function. In summary, the available evidence is currently insufficient to determine the role of this variant in disease. Therefore, it has been classified as a Variant of Uncertain Significance.